The following is an entry in ClinVar:

ClinVar aggregate classification (germline): Likely benign (1 of 4 stars; one submission).

Conditions:
Familial cancer of breast. Also called: BREAST CANCER, FAMILIAL; Hereditary breast cancer; hereditary breast carcinoma. Identifiers: Orphanet 227535, MedGen C0346153, MONDO:0016419, OMIM 114480. Disease mechanism: loss of function.

Allele frequency attached by ClinVar (database versions not stated): gnomAD exomes below 0.00001.
gnomAD v4.1: 1 of 1,606,882 alleles (0.000062%); highest among the groups gnomAD compares: Non-Finnish European, 0.000085%; no homozygotes.

Submission:

Myriad Genetics, Inc.
Classification: Likely benign for Familial cancer of breast. Last evaluated: 2024-05-23. Review status: criteria provided, single submitter. Criteria: Myriad Autosomal Dominant, Autosomal Recessive and X-Linked Classification Criteria (2023). Collection method: clinical testing. Allele origin: unknown.
Comment: This variant is considered likely benign. This variant is intronic and is not expected to impact mRNA splicing.

NM_000051.4(ATM):c.5320-7T>C

Gene: ATM (ATM serine/threonine kinase; plus strand). Cytogenetic location: 11q22.3.
Variant type: single nucleotide variant.
Coding change: c.5320-7T>C on transcript NM_000051.4 (MANE Select); 7 bases into the intron before coding-DNA position 5320, T replaced by C.
Molecular consequence: intron variant.
Genome position (GRCh38, 1-based): chr11:108,302,846, T>C. VCF-style: chr11-108302846-T-C. GRCh37 (hg19) VCF-style: chr11-108173573-T-C.
Other names: c.5320-7T>C (NM_001351834.2).
Identifiers: ClinVar variation 3254497 (VCV003254497.1), dbSNP rs863224292.